The following is an entry in ClinVar:

ClinVar aggregate classification (germline): Pathogenic/Likely pathogenic. Review status: criteria provided, multiple submitters, no conflicts (2 of 4 stars). 4 submissions from 4 submitters: Pathogenic (2); Likely pathogenic (2). Last evaluated 2025-08-29.

Conditions:
Hypophosphatasia. Also called: Phosphoethanol-aminuria. Identifiers: Orphanet 436, MedGen C0020630, MeSH D007014, MONDO:0018570.

Allele frequency attached by ClinVar (database versions not stated): gnomAD exomes below 0.00001.
gnomAD v4.1: 2 of 1,613,826 alleles (0.00012%); highest among the groups gnomAD compares: Non-Finnish European, 0.00017%; no homozygotes.

Submissions (4):

Genomenon, Inc
Classification: Likely pathogenic for Hypophosphatasia. Last evaluated: 2025-08-29. Review status: criteria provided, single submitter. Criteria: Genomenon Sequence Variant Interpretation Standards. Collection method: curation. Allele origin: germline. Affected: yes.
Comment: ALPL p.Thr115Ile (c.344C>T) is a missense variant that changes the amino acid at residue 115 from Threonine to Isoleucine. This variant has been observed in a proband affected with hypophosphatasia (PMID:35878747). At least one functional study has demonstrated a substantial alteration in protein function relative to the wild-type (PMID:32160374). It is absent or not present at a significant frequency in gnomAD. In silico models agree that this variant is possibly or probably damaging. In conclusion, we classify ALPL p.Thr115Ile (c.344C>T) as a likely pathogenic variant.

Women's Health and Genetics/Laboratory Corporation of America, LabCorp
Classification: Pathogenic for Hypophosphatasia. Last evaluated: 2025-07-17. Review status: criteria provided, single submitter. Criteria: LabCorp Variant Classification Summary - May 2015. Collection method: clinical testing. Allele origin: germline.
Comment: Variant summary: ALPL c.344C>T (p.Thr115Ile) results in a non-conservative amino acid change in the encoded protein sequence. Algorithms developed to predict the effect of missense changes on protein structure and function all suggest that this variant is likely to be disruptive. The variant was absent in 251048 control chromosomes (gnomAD). c.344C>T has been observed in individuals affected with Hypophosphatasia (Del Angel_2020, Kishnani_2024, Rush_2025, and Labcorp (formerly Invitae) internal cases). These data indicate that the variant is likely to be associated with disease. At least one publication reported experimental evidence evaluating an impact on protein function, and demonstrated that the variant resulted in ~10% of normal activity (Del Angel_2020). The following publications have been ascertained in the context of this evaluation (PMID: 32160374, 38884565, 39983296). ClinVar contains an entry for this variant (Variation ID: 2900306). Based on the evidence outlined above, the variant was classified as pathogenic.

Labcorp Genetics (formerly Invitae), Labcorp
Classification: Pathogenic. Last evaluated: 2024-11-07. Review status: criteria provided, single submitter. Criteria: Invitae Variant Classification Sherloc (09022015). Collection method: clinical testing. Allele origin: germline.
Comment: This sequence change replaces threonine, which is neutral and polar, with isoleucine, which is neutral and non-polar, at codon 115 of the ALPL protein (p.Thr115Ile). This variant is not present in population databases (gnomAD no frequency). This missense change has been observed in individual(s) with hypophosphatasia (internal data). It has also been observed to segregate with disease in related individuals. ClinVar contains an entry for this variant (Variation ID: 2900306). Invitae Evidence Modeling of protein sequence and biophysical properties (such as structural, functional, and spatial information, amino acid conservation, physicochemical variation, residue mobility, and thermodynamic stability) indicates that this missense variant is expected to disrupt ALPL protein function with a positive predictive value of 95%. Experimental studies have shown that this missense change affects ALPL function (PMID: 32160374). For these reasons, this variant has been classified as Pathogenic.

Natera, Inc.
Classification: Likely pathogenic for Hypophosphatasia. Last evaluated: 2024-07-09. Review status: criteria provided, single submitter. Criteria: Natera Variant Classification Schema (03/2026). Collection method: clinical testing. Allele origin: germline.
Comment: The c.344C>T variant in ALPL is a missense variant predicted to cause substitution of threonine to isoleucine at amino acid 115. This variant is rare in the general population with a frequency below the threshold expected for the associated phenotype(s). This variant has been observed in one or more individuals affected with the associated recessive disease, as either homozygous or compound heterozygous with a second variant (PMID: 35878747). Functional studies show that this variant may disrupt protein function (PMID: 32160374). Computational prediction algorithms indicate this variant is likely to affect gene or protein function. Given the available evidence, this variant is classified as Likely Pathogenic.

Literature cited by the submitters: PubMed 35878747 (cited by Genomenon, Inc and Natera, Inc.); PubMed 32160374 (cited by 4 submitters); PubMed 38884565 (cited by Women's Health and Genetics/Laboratory Corporation of America, LabCorp); PubMed 39983296 (cited by Women's Health and Genetics/Laboratory Corporation of America, LabCorp).

NM_000478.6(ALPL):c.344C>T (p.Thr115Ile)

Gene: ALPL (alkaline phosphatase, biomineralization associated; plus strand). Cytogenetic location: 1p36.12.
Variant type: single nucleotide variant.
Coding change: c.344C>T on transcript NM_000478.6 (MANE Select); coding-DNA position 344, C replaced by T.
Protein change: p.Thr115Ile; replaces threonine 115 with isoleucine.
Molecular consequence: missense variant.
Genome position (GRCh38, 1-based): chr1:21,563,156, C>T. VCF-style: chr1-21563156-C-T. GRCh37 (hg19) VCF-style: chr1-21889649-C-T.
Other names: c.179C>T, p.Thr60Ile (NM_001127501.4); c.113C>T, p.Thr38Ile (NM_001177520.3); c.344C>T, p.Thr115Ile (NM_001369803.2, NM_001369804.2, NM_001369805.2); c.344C>T (NM_000478.5); short protein forms T60I, T115I, T38I.
Identifiers: ClinVar variation 2900306 (VCV002900306.8), dbSNP rs2545298833, ClinGen allele CA338877146.